The following is an entry in ClinVar:

NM_000631.5(NCF4):c.111C>A (p.Ser37Arg)

Genes: NCF4-AS1 (NCF4 antisense RNA 1; minus strand), NCF4 (neutrophil cytosolic factor 4; plus strand). Cytogenetic location: 22q12.3.
Variant type: single nucleotide variant.
Coding change: c.111C>A on transcript NM_000631.5 (MANE Select); coding-DNA position 111, C replaced by A.
Protein change: p.Ser37Arg; replaces serine 37 with arginine.
Molecular consequence: missense variant.
Genome position (GRCh38, 1-based): chr22:36,864,123, C>A. VCF-style: chr22-36864123-C-A. GRCh37 (hg19) VCF-style: chr22-37260165-C-A.
Other names: c.111C>A, p.Ser37Arg (NM_013416.4); short protein forms S37R.
Identifiers: ClinVar variation 1025577 (VCV001025577.9), dbSNP rs1939860899, ClinGen allele CA411377241.
Genomic context (GRCh38, chr22:36,864,123, plus strand): 5'-GGATGATGTTGCCATCTCGGCCAACATTGCTGACATCGAGGAGAAGAGAGGCTTCACCAG[C>A]CACTTTGTAAGACAGACTCCTAGTCCTTCACCCAACAACCTCTGAACTTCCACCCAGCTG-3'
Protein context (NP_000622.2, residues 27-47): ADIEEKRGFT[Ser37Arg]HFVFVIEVKT

ClinVar aggregate classification (germline): Uncertain significance (1 of 4 stars; one submission).

Conditions:
Granulomatous disease, chronic, autosomal recessive, cytochrome b-positive, type 3. Also called: GRANULOMATOUS DISEASE, CHRONIC, DUE TO NCF4 DEFICIENCY; Granulomatous disease, chronic, autosomal recessive, cytochrome b-positive, type III; GRANULOMATOUS DISEASE, CHRONIC, AUTOSOMAL RECESSIVE, 3; CGD, AUTOSOMAL RECESSIVE CYTOCHROME b-POSITIVE, TYPE III. Identifiers: Orphanet 379, MedGen C3151409, MONDO:0013507, OMIM 613960.

gnomAD v4.1: 1 of 1,612,492 alleles (0.000062%); highest among the groups gnomAD compares: Non-Finnish European, 0.000085%; no homozygotes.

Submission:

Labcorp Genetics (formerly Invitae), Labcorp
Classification: Uncertain significance for Granulomatous disease, chronic, autosomal recessive, cytochrome b-positive, type 3. Last evaluated: 2020-07-26. Review status: criteria provided, single submitter. Criteria: Invitae Variant Classification Sherloc (09022015). Collection method: clinical testing. Allele origin: germline.
Comment: In summary, the available evidence is currently insufficient to determine the role of this variant in disease. Therefore, it has been classified as a Variant of Uncertain Significance. Algorithms developed to predict the effect of missense changes on protein structure and function are either unavailable or do not agree on the potential impact of this missense change (SIFT: "Tolerated"; PolyPhen-2: "Possibly Damaging"; Align-GVGD: "Class C0"). This variant has not been reported in the literature in individuals with NCF4-related conditions. This variant is not present in population databases (ExAC no frequency). This sequence change replaces serine with arginine at codon 37 of the NCF4 protein (p.Ser37Arg). The serine residue is moderately conserved and there is a moderate physicochemical difference between serine and arginine.